The following is an entry in ClinVar:

ClinVar aggregate classification (germline): Uncertain significance (1 of 4 stars; one submission).

Conditions:
Welander distal myopathy (WDM). Also called: Gower's muscular dystrophy; MUSCULAR DYSTROPHY, DISTAL, LATE-ONSET, AUTOSOMAL DOMINANT; Welander distal myopathy, Swedish type; Distal myopathy, Swedish type. Identifiers: Orphanet 603, MedGen C0221054, MONDO:0011466, OMIM 604454.

Submission:

Labcorp Genetics (formerly Invitae), Labcorp
Classification: Uncertain significance for Welander distal myopathy. Last evaluated: 2023-11-10. Review status: criteria provided, single submitter. Criteria: Invitae Variant Classification Sherloc (09022015). Collection method: clinical testing. Allele origin: germline.
Comment: A copy number gain of the genomic region encompassing the full coding sequence of the TIA1 gene has been identified. The boundaries of this event are unknown as they extend beyond the assayed region for this gene and therefore may encompass additional genes. As the precise location of this event is unknown, it may be in tandem or it may be located elsewhere in the genome. This variant has not been reported in the literature in individuals affected with TIA1-related conditions. In summary, the available evidence is currently insufficient to determine the role of this variant in disease. Therefore, it has been classified as a Variant of Uncertain Significance.

NC_000002.11:g.(?_70439851)_(70475562_?)dup

Gene: TIA1 (TIA1 cytotoxic granule associated RNA binding protein; minus strand). Cytogenetic location: 2p13.3.
Variant type: Duplication.
Identifiers: ClinVar variation 2426739 (VCV002426739.4).